The following is an entry in ClinVar:

ClinVar aggregate classification (germline): Uncertain significance (1 of 4 stars; one submission).

Allele frequency attached by ClinVar (database versions not stated): gnomAD 0.00001; TOPMed 0.00001; gnomAD exomes 0.00002.
gnomAD v4.1: 13 of 1,614,046 alleles (0.00081%); highest among the groups gnomAD compares: East Asian, 0.029%; no homozygotes.

Submission:

Women's Health and Genetics/Laboratory Corporation of America, LabCorp
Classification: Uncertain significance. Last evaluated: 2023-07-18. Review status: criteria provided, single submitter. Criteria: LabCorp Variant Classification Summary - May 2015. Collection method: clinical testing. Allele origin: germline.
Comment: Variant summary: PIGT c.1570A>T (p.Met524Leu) results in a conservative amino acid change in the encoded protein sequence. Four of five in-silico tools predict a damaging effect of the variant on protein function. The variant was absent in 251242 control chromosomes (gnomAD). The available data on variant occurrences in the general population are insufficient to allow any conclusion about variant significance. To our knowledge, no occurrence of c.1570A>T in individuals affected with Multiple Congenital Anomalies-Hypotonia Syndrome 3 and no experimental evidence demonstrating its impact on protein function have been reported. No submitters have cited clinical-significance assessments for this variant to ClinVar after 2014. Based on the evidence outlined above, the variant was classified as uncertain significance.

NM_015937.6(PIGT):c.1570A>T (p.Met524Leu)

Gene: PIGT (phosphatidylinositol glycan anchor biosynthesis class T; plus strand). Cytogenetic location: 20q13.12.
Variant type: single nucleotide variant.
Coding change: c.1570A>T on transcript NM_015937.6 (MANE Select); coding-DNA position 1570, A replaced by T.
Protein change: p.Met524Leu; replaces methionine 524 with leucine.
Molecular consequence: missense variant. On other transcripts: non-coding transcript variant (5).
Genome position (GRCh38, 1-based): chr20:45,425,659, A>T. VCF-style: chr20-45425659-A-T. GRCh37 (hg19) VCF-style: chr20-44054299-A-T.
Other names: c.1402A>T, p.Met468Leu (NM_001184728.3); c.1369A>T, p.Met457Leu (NM_001184729.3); c.1264A>T, p.Met422Leu (NM_001184730.3); short protein forms M422L, M457L, M468L, M524L.
Identifiers: ClinVar variation 2577121 (VCV002577121.1), dbSNP rs919441973, ClinGen allele CA315579902.